The following is an entry in ClinVar:

ClinVar aggregate classification (germline): Uncertain significance (1 of 4 stars; one submission).

Conditions:
3-methylcrotonyl-CoA carboxylase 1 deficiency (MCC1D). Also called: MCCD TYPE 1; METHYLCROTONYLGLYCINURIA TYPE I; MCC 1 deficiency; 3 Alpha methylcrotonylglycinuria 1. Identifiers: Orphanet 6, MedGen CN028786, MONDO:0008861, OMIM 210200.

Submission:

Labcorp Genetics (formerly Invitae), Labcorp
Classification: Uncertain significance for 3-methylcrotonyl-CoA carboxylase 1 deficiency. Last evaluated: 2025-08-04. Review status: criteria provided, single submitter. Criteria: Invitae Variant Classification Sherloc (09022015). Collection method: clinical testing. Allele origin: germline.
Comment: This sequence change creates a premature translational stop signal (p.Leu711*) in the MCCC1 gene. While this is not anticipated to result in nonsense mediated decay, it is expected to disrupt the last 15 amino acid(s) of the MCCC1 protein. This variant is not present in population databases (gnomAD no frequency). This variant has not been reported in the literature in individuals affected with MCCC1-related conditions. Experimental studies and prediction algorithms are not available or were not evaluated, and the functional significance of this variant is currently unknown. In summary, the available evidence is currently insufficient to determine the role of this variant in disease. Therefore, it has been classified as a Variant of Uncertain Significance.

NM_020166.5(MCCC1):c.2132T>A (p.Leu711Ter)

Gene: MCCC1 (methylcrotonyl-CoA carboxylase subunit 1; minus strand). Cytogenetic location: 3q27.1.
Variant type: single nucleotide variant.
Coding change: c.2132T>A on transcript NM_020166.5 (MANE Select); coding-DNA position 2132, T replaced by A.
Protein change: p.Leu711Ter; replaces leucine 711 with a stop codon.
Molecular consequence: nonsense. On other transcripts: non-coding transcript variant (2).
Genome position (GRCh38, 1-based): chr3:183,015,484, A>T on the plus strand (T>A on the coding strand, the complement: MCCC1 is on the minus strand). VCF-style: chr3-183015484-A-T. GRCh37 (hg19) VCF-style: chr3-182733272-A-T.
Other names: c.1781T>A, p.Leu594Ter (NM_001293273.2); c.1805T>A, p.Leu602Ter (NM_001363880.1); short protein forms L711*, L602*, L594*.
Identifiers: ClinVar variation 4724256 (VCV004724256.1).